The following is an entry in ClinVar:

NM_000257.4(MYH7):c.719A>T (p.Asn240Ile)

Gene: MYH7 (myosin heavy chain 7; minus strand). Cytogenetic location: 14q11.2.
Variant type: single nucleotide variant.
Coding change: c.719A>T on transcript NM_000257.4 (MANE Select); coding-DNA position 719, A replaced by T.
Protein change: p.Asn240Ile; replaces asparagine 240 with isoleucine.
Molecular consequence: missense variant.
Genome position (GRCh38, 1-based): chr14:23,431,598, T>A on the plus strand (A>T on the coding strand, the complement: MYH7 is on the minus strand). VCF-style: chr14-23431598-T-A. GRCh37 (hg19) VCF-style: chr14-23900807-T-A.
Other names: c.719A>T, p.Asn240Ile (NM_001407004.1); short protein forms N240I.
Identifiers: ClinVar variation 4076445 (VCV004076445.1).

ClinVar aggregate classification (germline): Uncertain significance (1 of 4 stars; one submission).

Conditions:
Cardiovascular phenotype. Identifiers: MedGen CN230736.

Submission:

Molecular Diagnostic Laboratory for Inherited Cardiovascular Disease, Montreal Heart Institute
Classification: Uncertain significance for Cardiovascular phenotype. Last evaluated: 2025-07-24. Review status: criteria provided, single submitter. Criteria: ACMG Guidelines, 2015. Collection method: clinical testing. Allele origin: germline. Affected: yes.
Comment: PM1, PM2, PP3